The following is an entry in ClinVar:

NM_022489.4(INF2):c.1288C>T (p.Leu430Phe)

Gene: INF2 (inverted formin 2; plus strand). Cytogenetic location: 14q32.33.
Variant type: single nucleotide variant.
Coding change: c.1288C>T on transcript NM_022489.4 (MANE Select); coding-DNA position 1288, C replaced by T.
Protein change: p.Leu430Phe; replaces leucine 430 with phenylalanine.
Molecular consequence: missense variant.
Genome position (GRCh38, 1-based): chr14:104,707,555, C>T. VCF-style: chr14-104707555-C-T. GRCh37 (hg19) VCF-style: chr14-105173892-C-T.
Other names: c.1288C>T, p.Leu430Phe (NM_001031714.4); short protein forms L430F.
Identifiers: ClinVar variation 429633 (VCV000429633.2), dbSNP rs1131691501, ClinGen allele CA391216462.

ClinVar aggregate classification (germline): Uncertain significance (1 of 4 stars; one submission).

Submission:

GeneDx
Classification: Uncertain significance. Last evaluated: 2017-05-03. Review status: criteria provided, single submitter. Criteria: GeneDx Variant Classification (06012015). Collection method: clinical testing. Allele origin: germline. Affected: yes.
Comment: A variant of uncertain significance has been identified in the INF2 gene. The L430F variant has not been published as a pathogenic variant, nor has it been reported as a benign variant to our knowledge. The L430F variant is not observed in large population cohorts (Lek et al., 2016; 1000 Genomes Consortium et al., 2015; Exome Variant Server). The L430F variant is a conservative amino acid substitution, which is not likely to impact secondary protein structure as these residues share similar properties. This substitution occurs at a position that is not conserved. In silico analysis is inconsistent in its predictions as to whether or not the variant is damaging to the protein structure/function. Based on the currently available information, it is unclear whether this variant is a pathogenic variant or a rare benign variant.